The following is an entry in ClinVar:

ClinVar aggregate classification (germline): Uncertain significance (1 of 4 stars; one submission).

Conditions:
Microcephaly, normal intelligence and immunodeficiency (NBS). Also called: IMMUNODEFICIENCY, MICROCEPHALY, AND CHROMOSOMAL INSTABILITY; SEEMANOVA SYNDROME II; Nijmegen breakage syndrome; Microcephaly with normal intelligence immunodeficiency and lymphoreticular malignancies; Nonsyndromal microcephaly autosomal recessive with normal intelligence; Seemanova syndrome 2. Identifiers: Orphanet 647, MedGen C0398791, MONDO:0009623, OMIM 251260.

Submission:

Labcorp Genetics (formerly Invitae), Labcorp
Classification: Uncertain significance for Microcephaly, normal intelligence and immunodeficiency. Last evaluated: 2017-07-13. Review status: criteria provided, single submitter. Criteria: Invitae Variant Classification Sherloc (09022015). Collection method: clinical testing. Allele origin: germline.
Comment: This sequence change replaces glutamic acid with valine at codon 721 of the NBN protein (p.Glu721Val). The glutamic acid residue is moderately conserved and there is a moderate physicochemical difference between glutamic acid and valine. This variant is not present in population databases (ExAC no frequency). This variant has not been reported in the literature in individuals with NBN-related disease. Algorithms developed to predict the effect of missense changes on protein structure and function do not agree on the potential impact of this missense change (SIFT: "Deleterious"; PolyPhen-2: "Possibly Damaging"; Align-GVGD: "Class C0"). In summary, the available evidence is currently insufficient to determine the role of this variant in disease. Therefore, it has been classified as a Variant of Uncertain Significance.

NM_002485.5(NBN):c.2162A>T (p.Glu721Val)

Gene: NBN (nibrin; minus strand). Cytogenetic location: 8q21.3.
Variant type: single nucleotide variant.
Coding change: c.2162A>T on transcript NM_002485.5 (MANE Select); coding-DNA position 2162, A replaced by T.
Protein change: p.Glu721Val; replaces glutamic acid 721 with valine.
Molecular consequence: missense variant.
Genome position (GRCh38, 1-based): chr8:89,943,275, T>A on the plus strand (A>T on the coding strand, the complement: NBN is on the minus strand). VCF-style: chr8-89943275-T-A. GRCh37 (hg19) VCF-style: chr8-90955503-T-A.
Other names: c.1916A>T, p.Glu639Val (NM_001024688.3); short protein forms E721V, E639V.
Identifiers: ClinVar variation 461543 (VCV000461543.8), dbSNP rs1554555751, ClinGen allele CA371675355.